The following is an entry in ClinVar:

ClinVar aggregate classification (germline): Pathogenic. Review status: criteria provided, single submitter (1 of 4 stars). 2 submissions from 2 submitters: Pathogenic (1). 1 of the submissions does not count toward it. Last evaluated 2026-03-01.

Conditions:
Retinitis pigmentosa, juvenile. Identifiers: MedGen CN260077.
Leber congenital amaurosis 2 (LCA2). Also called: Autosomal Recessive RPE65-Related Retinal Degeneration; AMAUROSIS CONGENITA OF LEBER II. Identifiers: Orphanet 65, MedGen C1859844, MONDO:0008765, OMIM 204100. Disease mechanism: loss of function.

Submissions (2):

Medical Molecular Genetics Department, National Research Center
Classification: Pathogenic for Retinitis pigmentosa, juvenile. Last evaluated: 2026-03-01. Review status: criteria provided, single submitter. Criteria: ACMG Guidelines, 2015. Collection method: research. Allele origin: germline. Affected: yes. Observed: 2 variant alleles.
Comment: RPE65 c.843_858+7del: Canonical splice donor loss (null variant). Absent from gnomAD. Homozygous in two siblings with early-onset RP. ClinVar RCV001250688 (pathogenic). Loss-of-function consistent with autosomal recessive RPE65 mechanism. Classified Pathogenic (PVS1,PM2,PM4)

Laboratory of Genetics in Ophthalmology, Institut Imagine
Classification: Pathogenic for Leber congenital amaurosis 2. Review status: no assertion criteria provided. Collection method: research. Allele origin: inherited. Affected: yes. Observed: 1 variant allele. Not counted in ClinVar's aggregate classification.

NM_000329.3(RPE65):c.843_858+7del

Gene: RPE65 (retinoid isomerohydrolase RPE65; minus strand). Cytogenetic location: 1p31.3.
Variant type: Deletion.
Coding change: c.843_858+7del on transcript NM_000329.3 (MANE Select); coding-DNA position 843 through 7 bases into the intron after coding-DNA position 858, 23 bases deleted (CAATGAAACCATGGGGGTAAGTC).
Molecular consequence: splice donor variant.
Genome position (GRCh38, 1-based): chr1:68,439,184-68,439,206, GACTTACCCCCATGGTTTCATTG deleted on the plus strand (CAATGAAACCATGGGGGTAAGTC on the coding strand, the reverse complement: RPE65 is on the minus strand); deleting any 23 consecutive bases within chr1:68,439,184-68,439,210 gives the same sequence; the c. name uses the placement nearest the transcript's 3' end. VCF-style (leftmost placement, unchanged base first): chr1-68439183-AGACTTACCCCCATGGTTTCATTG-A. GRCh37 (hg19) VCF-style: chr1-68904866-AGACTTACCCCCATGGTTTCATTG-A.
Identifiers: ClinVar variation 973957 (VCV000973957.2), dbSNP rs1645882103, ClinGen allele CA1139655501.